The following is an entry in ClinVar:

ClinVar aggregate classification (germline): Uncertain significance (1 of 4 stars; one submission).

Conditions:
Combined immunodeficiency with skin granulomas. Identifiers: Orphanet 157949, MedGen C2673536, MONDO:0009306, OMIM 233650.
Severe combined immunodeficiency, autosomal recessive, T cell-negative, B cell-negative, NK cell-positive. Also called: SCID, T CELL-NEGATIVE, B CELL-NEGATIVE, NK CELL-POSITIVE; SCID, AR, T-cell negative, B-cell negative, NK cell-positive; Severe combined immunodeficiency due to complete RAG1/2 deficiency. Identifiers: Orphanet 331206, MedGen C1832322, MONDO:0011086, OMIM 601457.

Submission:

Labcorp Genetics (formerly Invitae), Labcorp
Classification: Uncertain significance for Combined immunodeficiency with skin granulomas; Severe combined immunodeficiency, autosomal recessive, T cell-negative, B cell-negative, NK cell-positive. Last evaluated: 2022-08-23. Review status: criteria provided, single submitter. Criteria: Invitae Variant Classification Sherloc (09022015). Collection method: clinical testing. Allele origin: germline.
Comment: This sequence change replaces aspartic acid, which is acidic and polar, with glycine, which is neutral and non-polar, at codon 554 of the RAG1 protein (p.Asp554Gly). This variant is not present in population databases (gnomAD no frequency). This variant has not been reported in the literature in individuals affected with RAG1-related conditions. ClinVar contains an entry for this variant (Variation ID: 836264). Algorithms developed to predict the effect of missense changes on protein structure and function are either unavailable or do not agree on the potential impact of this missense change (SIFT: "Tolerated"; PolyPhen-2: "Probably Damaging"; Align-GVGD: "Class C0"). In summary, the available evidence is currently insufficient to determine the role of this variant in disease. Therefore, it has been classified as a Variant of Uncertain Significance.

NM_000448.3(RAG1):c.1661A>G (p.Asp554Gly)

Gene: RAG1 (recombination activating 1; plus strand). Cytogenetic location: 11p12.
Variant type: single nucleotide variant.
Coding change: c.1661A>G on transcript NM_000448.3 (MANE Select); coding-DNA position 1661, A replaced by G.
Protein change: p.Asp554Gly; replaces aspartic acid 554 with glycine.
Molecular consequence: missense variant.
Genome position (GRCh38, 1-based): chr11:36,574,965, A>G. VCF-style: chr11-36574965-A-G. GRCh37 (hg19) VCF-style: chr11-36596515-A-G.
Other names: c.1661A>G, p.Asp554Gly (NM_001377277.1, NM_001377278.1, NM_001377279.1 and 1 more transcripts); short protein forms D554G.
Identifiers: ClinVar variation 836264 (VCV000836264.7), dbSNP rs1850817619, ClinGen allele CA380153011.
Genomic context (GRCh38, chr11:36,574,965, plus strand): 5'-ATGTTGGCATTATTGATGGGCTGTCTGGACTATCATCCTCTGTGGATGATTACCCAGTGG[A>G]CACCATTGCAAAGAGGTTCCGCTATGATTCAGCTTTGGTGTCTGCTTTGATGGACATGGA-3'
Protein context (NP_000439.2, residues 544-564): LSSSVDDYPV[Asp554Gly]TIAKRFRYDS